The following is an entry in ClinVar:

NM_001267550.2(TTN):c.76421A>T (p.Lys25474Met)

Genes: TTN (titin; minus strand), TTN-AS1 (TTN antisense RNA 1; plus strand). Cytogenetic location: 2q31.2.
Variant type: single nucleotide variant.
Coding change: c.76421A>T on transcript NM_001267550.2 (MANE Select); coding-DNA position 76421, A replaced by T.
Protein change: p.Lys25474Met; replaces lysine 25474 with methionine.
Molecular consequence: missense variant.
Genome position (GRCh38, 1-based): chr2:178,569,711, T>A on the plus strand (A>T on the coding strand, the complement: TTN is on the minus strand). VCF-style: chr2-178569711-T-A. GRCh37 (hg19) VCF-style: chr2-179434438-T-A.
Other names: p.Lys23833Met; c.71498A>T, p.Lys23833Met (NM_001256850.1); c.49226A>T, p.Lys16409Met (NM_003319.4); c.68717A>T, p.Lys22906Met (NM_133378.4); c.49601A>T, p.Lys16534Met (NM_133432.3); c.49802A>T, p.Lys16601Met (NM_133437.4); short protein forms K23833M, K25474M, K16534M, K16601M, K16409M, K22906M.
Identifiers: ClinVar variation 4540718 (VCV004540718.2).

ClinVar aggregate classification (germline): Uncertain significance. Review status: criteria provided, multiple submitters, no conflicts (2 of 4 stars). 2 submissions from 2 submitters: Uncertain significance (2). Last evaluated 2026-07-02.

Conditions:
TTN-related disorder. Also called: TTN-related condition; TTN-related disease; TTN-related disorders.

Submissions (2):

PreventionGenetics, part of Exact Sciences
Classification: Uncertain significance for TTN-related condition. Last evaluated: 2026-07-02. Review status: criteria provided, single submitter. Criteria: ACMG Guidelines, 2015. Collection method: clinical testing. Allele origin: germline.
Comment: The TTN c.76421A>T variant is predicted to result in the amino acid substitution p.Lys25474Met. To our knowledge, this variant has not been reported in the literature or in a large population database (gnomAD), indicating this variant is rare. At this time, the clinical significance of this variant is uncertain due to the absence of conclusive functional and genetic evidence.

Mayo Clinic Laboratories, Mayo Clinic
Classification: Uncertain significance. Last evaluated: 2025-12-17. Review status: criteria provided, single submitter. Criteria: ACMG Guidelines, 2015. Collection method: clinical testing. Allele origin: germline. Observed: 1 variant allele.
Comment: PM2_supporting